The following is an entry in ClinVar:

NM_139076.3(ABRAXAS1):c.776G>C (p.Gly259Ala)

Gene: ABRAXAS1 (abraxas 1, BRCA1 A complex subunit; minus strand). Cytogenetic location: 4q21.23.
Variant type: single nucleotide variant.
Coding change: c.776G>C on transcript NM_139076.3 (MANE Select); coding-DNA position 776, G replaced by C.
Protein change: p.Gly259Ala; replaces glycine 259 with alanine.
Molecular consequence: missense variant.
Genome position (GRCh38, 1-based): chr4:83,463,514, C>G on the plus strand (G>C on the coding strand, the complement: ABRAXAS1 is on the minus strand). VCF-style: chr4-83463514-C-G. GRCh37 (hg19) VCF-style: chr4-84384667-C-G.
Other names: c.449G>C, p.Gly150Ala (NM_001345962.2); short protein forms G259A, G150A.
Identifiers: ClinVar variation 411324 (VCV000411324.15), dbSNP rs201475497, ClinGen allele CA2990456.
Genomic context (GRCh38, chr4:83,463,514, plus strand): 5'-AATTTTTAGCACAGAAAGTAGAGATGTGTTGTTTACTTACTTGCTGCCTGAATCTGTGCT[C>G]CTCTCCTTTTCTCAATTTCTCGTTTTAATCTGTTTACATCCTTTACTAGTTTATCTACTG-3'
Protein context (NP_620775.2, residues 249-269): RLKREIEKRR[Gly259Ala]AQIQAAREKN

ClinVar aggregate classification (germline): Likely benign. Review status: criteria provided, multiple submitters, no conflicts (2 of 4 stars). 3 submissions from 3 submitters: Likely benign (3). Last evaluated 2025-08-31.

Allele frequency attached by ClinVar (database versions not stated): gnomAD exomes 0.00001 and 0.00007; TOPMed 0.00002; gnomAD 0.00005; ExAC 0.00007; 1000 Genomes Project 0.00020; 1000 Genomes Project 30x 0.00031.
gnomAD v4.1: 23 of 1,608,040 alleles (0.0014%); highest among the groups gnomAD compares: East Asian, 0.049%; no homozygotes.

Submissions (3):

Labcorp Genetics (formerly Invitae), Labcorp
Classification: Likely benign. Last evaluated: 2025-08-31. Review status: criteria provided, single submitter. Criteria: Invitae Variant Classification Sherloc (09022015). Collection method: clinical testing. Allele origin: germline.

Women's Health and Genetics/Laboratory Corporation of America, LabCorp
Classification: Likely benign. Last evaluated: 2025-03-21. Review status: criteria provided, single submitter. Criteria: LabCorp Variant Classification Summary - May 2015. Collection method: clinical testing. Allele origin: germline.
Comment: Variant summary: FAM175A c.776G>C (p.Gly259Ala) results in a non-conservative amino acid change in the encoded protein sequence. Four of five in-silico tools predict a benign effect of the variant on protein function. The variant allele was found at a frequency of 7.2e-05 in 248530 control chromosomes, predominantly at a frequency of 0.00099 within the East Asian subpopulation in the gnomAD database. The observed variant frequency within East Asian control individuals in the gnomAD database is approximately 32 fold of the estimated maximal expected allele frequency for a pathogenic variant in FAM175A causing Hereditary Breast And Ovarian Cancer Syndrome phenotype (3.1e-05). In addition, in a recent large study evaluating breast cancer cases and controls in the Breast Cancer Association Consortium (BCAC), the variant was reported in 8/60466 cases, but was also found in 12/53461 controls (Dorling_2021, reported through LOVD). To our knowledge, no experimental evidence demonstrating an impact on protein function has been reported. The following publications have been ascertained in the context of this evaluation (PMID: 31248605, 33471991). ClinVar contains an entry for this variant (Variation ID: 411324). Based on the evidence outlined above, the variant was classified as likely benign.

Ambry Genetics
Classification: Likely benign. Last evaluated: 2024-03-25. Review status: criteria provided, single submitter. Criteria: Ambry Variant Classification Scheme 2023. Collection method: clinical testing. Allele origin: germline.

Literature cited by the submitters: PubMed 31248605 (cited by Women's Health and Genetics/Laboratory Corporation of America, LabCorp); PubMed 33471991 (cited by Women's Health and Genetics/Laboratory Corporation of America, LabCorp).